The following is an entry in ClinVar:

ClinVar aggregate classification (germline): Conflicting classifications of pathogenicity. Review status: criteria provided, conflicting classifications (1 of 4 stars). 2 submissions from 2 submitters: Likely pathogenic (1); Uncertain significance (1). Last evaluated 2021-04-01.

Conditions:
EYS-related disorder. Also called: EYS-related condition.
Retinitis pigmentosa (RP). Identifiers: Orphanet 791, MedGen C0035334, MeSH D012174, MONDO:0019200, OMIM 268000. Inheritance: Autosomal dominant, autosomal recessive and X linked inheritance.

Allele frequency attached by ClinVar (database versions not stated): gnomAD exomes below 0.00001; TOPMed below 0.00001.
gnomAD v4.1: 3 of 1,548,982 alleles (0.00019%); highest among the groups gnomAD compares: Non-Finnish European, 0.00026%; no homozygotes.

Submissions (2):

Broad Center for Mendelian Genomics, Broad Institute of MIT and Harvard
Classification: Uncertain significance for Retinitis pigmentosa. Last evaluated: 2021-04-01. Review status: criteria provided, single submitter. Criteria: ACMG Guidelines, 2015. Collection method: curation. Allele origin: germline. Inheritance: Autosomal recessive inheritance. Affected: yes.
Comment: Through a review of available evidence we were able to apply the following criteria: PM2, PP2, PM3-P. Based on this evidence we have classified this variant as a Variant of Uncertain Significance. If you have any questions about the classification please reach out to the Pierce Lab.

Blueprint Genetics
Classification: Likely pathogenic for EYS-related disorders. Last evaluated: 2020-10-27. Review status: criteria provided, single submitter. Criteria: ACMG Guidelines, 2015. Collection method: clinical testing. Allele origin: germline. Affected: yes. Observed: 2 variant alleles.

Literature cited by the submitters: PubMed 34906470 (cited by Broad Center for Mendelian Genomics, Broad Institute of MIT and Harvard).

NM_001142800.2(EYS):c.7899-8A>G

Gene: EYS (EGF-like photoreceptor maintenance factor; minus strand). Cytogenetic location: 6q12.
Variant type: single nucleotide variant.
Coding change: c.7899-8A>G on transcript NM_001142800.2 (MANE Select); 8 bases into the intron before coding-DNA position 7899, A replaced by G.
Molecular consequence: intron variant.
Genome position (GRCh38, 1-based): chr6:63,762,641, T>C on the plus strand (A>G on the coding strand, the complement: EYS is on the minus strand). VCF-style: chr6-63762641-T-C. GRCh37 (hg19) VCF-style: chr6-64472534-T-C.
Other names: c.7899-8A>G (NM_001292009.2).
Identifiers: ClinVar variation 1297158 (VCV001297158.3), dbSNP rs1769675220, ClinGen allele CA1633404436.